The following is an entry in ClinVar:

NM_181882.3(PRX):c.2434_2437dup (p.Glu813fs)

Gene: PRX (periaxin; minus strand). Cytogenetic location: 19q13.2.
Variant type: Duplication.
Coding change: c.2434_2437dup on transcript NM_181882.3 (MANE Select); coding-DNA positions 2434 to 2437, 4 bases duplicated (GCAG; older notation c.2434_2437dupGCAG).
Protein change: p.Glu813fs; shifts the reading frame from glutamic acid 813.
Molecular consequence: frameshift variant. On other transcripts: 3 prime UTR variant (1).
Genome position (GRCh38, 1-based): chr19:40,395,915-40,395,918, CTGC duplicated on the plus strand (GCAG on the coding strand, the reverse complement: PRX is on the minus strand); duplicating any 4 consecutive bases within chr19:40,395,915-40,395,919 gives the same sequence; the c. name uses the placement nearest the transcript's 3' end. VCF-style (leftmost placement, unchanged base first): chr19-40395914-T-TCTGC. GRCh37 (hg19) VCF-style: chr19-40901821-T-TCTGC.
Other names: c.2719_2722dup, p.Glu908fs (NM_001411127.1); c.*2639_*2642dup (NM_020956.2); short protein forms E813fs, E908fs.
Identifiers: ClinVar variation 4886567 (VCV004886567.2).

ClinVar aggregate classification (germline): Likely pathogenic (1 of 4 stars; one submission).

Submission:

Dasa
Classification: Likely pathogenic. Last evaluated: 2025-08-19. Review status: criteria provided, single submitter. Criteria: DASA Assertion Criteria. Collection method: clinical testing. Allele origin: germline.
Comment: NM_181882.3(PRX):c.2434_2437dup (p.Glu813Glyfs*15) is a frameshift variant in PRX predicted to alter the reading frame and introduce a premature termination codon and is predicted to result in an absent or altered protein product. Loss of function is an established disease mechanism for PRX-associated disorders. Also, this variant is absent from population databases. Based on the currently available evidence, this variant is classified as likely pathogenic.